The following is an entry in ClinVar:

NM_021020.5(LZTS1):c.1306C>G (p.Leu436Val)

Gene: LZTS1 (leucine zipper tumor suppressor 1; minus strand). Cytogenetic location: 8p21.3.
Variant type: single nucleotide variant.
Coding change: c.1306C>G on transcript NM_021020.5 (MANE Select); coding-DNA position 1306, C replaced by G.
Protein change: p.Leu436Val; replaces leucine 436 with valine.
Molecular consequence: missense variant.
Genome position (GRCh38, 1-based): chr8:20,250,207, G>C on the plus strand (C>G on the coding strand, the complement: LZTS1 is on the minus strand). VCF-style: chr8-20250207-G-C. GRCh37 (hg19) VCF-style: chr8-20107718-G-C.
Other names: c.1306C>G, p.Leu436Val (NM_001362884.2); short protein forms L436V.
Identifiers: ClinVar variation 4693430 (VCV004693430.1).

ClinVar aggregate classification (germline): Uncertain significance (1 of 4 stars; one submission).

gnomAD v4.1: 4 of 1,611,786 alleles (0.00025%); highest among the groups gnomAD compares: East Asian, 0.0089%; no homozygotes.

Submission:

Labcorp Genetics (formerly Invitae), Labcorp
Classification: Uncertain significance. Last evaluated: 2026-02-01. Review status: criteria provided, single submitter. Criteria: Invitae Variant Classification Sherloc (09022015). Collection method: clinical testing. Allele origin: germline.
Comment: This sequence change replaces leucine, which is neutral and non-polar, with valine, which is neutral and non-polar, at codon 436 of the LZTS1 protein (p.Leu436Val). This variant is present in population databases (rs747010118, gnomAD 0.03%). This variant has not been reported in the literature in individuals affected with LZTS1-related conditions. Invitae Evidence Modeling of protein sequence and biophysical properties (such as structural, functional, and spatial information, amino acid conservation, physicochemical variation, residue mobility, and thermodynamic stability) indicates that this missense variant is not expected to disrupt LZTS1 protein function with a negative predictive value of 80%. In summary, the available evidence is currently insufficient to determine the role of this variant in disease. Therefore, it has been classified as a Variant of Uncertain Significance.